The following is an entry in ClinVar:

NM_001083962.2(TCF4):c.789+18G>A

Gene: TCF4 (transcription factor 4; minus strand). Cytogenetic location: 18q21.2.
Variant type: single nucleotide variant.
Coding change: c.789+18G>A on transcript NM_001083962.2 (MANE Select); 18 bases into the intron after coding-DNA position 789, G replaced by A.
Molecular consequence: intron variant.
Genome position (GRCh38, 1-based): chr18:55,275,601, C>T on the plus strand (G>A on the coding strand, the complement: TCF4 is on the minus strand). VCF-style: chr18-55275601-C-T. GRCh37 (hg19) VCF-style: chr18-52942832-C-T.
Other names: c.1095+18G>A (NM_001243226.3); c.714+18G>A (NM_001369584.1, NM_001369576.1, NM_001369585.1 and 3 more transcripts); c.717+18G>A (NM_001369577.1, NM_001369582.1, NM_001243227.2 and 9 more transcripts); c.789+18G>A (NM_001369571.1, NM_001369567.1, NM_001369572.1 and 4 more transcripts); c.807+18G>A (NM_001243228.2); c.783+18G>A (NM_001243230.2); c.786+18G>A (NM_001369569.1, NM_001369573.1, NM_001369570.1); c.663+18G>A (NM_001243231.2, NM_001348211.2); and 4 more.
Identifiers: ClinVar variation 931794 (VCV000931794.12), dbSNP rs541018682, ClinGen allele CA8970402.

ClinVar aggregate classification (germline): Likely benign. Review status: criteria provided, multiple submitters, no conflicts (2 of 4 stars). 3 submissions from 3 submitters: Likely benign (3). Last evaluated 2025-12-21.

Conditions:
Pitt-Hopkins syndrome (PTHS). Also called: ENCEPHALOPATHY, SEVERE EPILEPTIC, WITH AUTONOMIC DYSFUNCTION; MENTAL RETARDATION, SYNDROMAL, WITH INTERMITTENT HYPERVENTILATION. Identifiers: Orphanet 2896, MedGen C1970431, MONDO:0012589, OMIM 610954.

Allele frequency attached by ClinVar (database versions not stated): gnomAD 0.00001 and 0.00002; TOPMed 0.00001; gnomAD exomes 0.00004; ExAC 0.00006; 1000 Genomes Project 30x 0.00031; 1000 Genomes Project 0.00040.
gnomAD v4.1: 57 of 1,613,516 alleles (0.0035%); highest among the groups gnomAD compares: East Asian, 0.02%; no homozygotes.

Submissions (3):

Labcorp Genetics (formerly Invitae), Labcorp
Classification: Likely benign for Pitt-Hopkins syndrome. Last evaluated: 2025-12-21. Review status: criteria provided, single submitter. Criteria: Invitae Variant Classification Sherloc (09022015). Collection method: clinical testing. Allele origin: germline.

Blueprint Genetics
Classification: Likely benign. Last evaluated: 2024-02-15. Review status: criteria provided, single submitter. Criteria: ACMG Guidelines, 2015. Collection method: clinical testing. Allele origin: germline.

Centre for Mendelian Genomics, University Medical Centre Ljubljana
Classification: Likely benign for Pitt-Hopkins syndrome. Last evaluated: 2018-09-26. Review status: criteria provided, single submitter. Criteria: ACMG Guidelines, 2015. Collection method: clinical testing. Allele origin: unknown. Affected: yes.
Comment: This variant was classified as: Likely benign. The following ACMG criteria were applied in classifying this variant: BS2,BP4.